The following is an entry in ClinVar:

NM_018406.7(MUC4):c.8350C>T (p.Pro2784Ser)

Gene: MUC4 (mucin 4, cell surface associated). Cytogenetic location: 3q29.
Variant type: single nucleotide variant.
Coding change: c.8350C>T on transcript NM_018406.7 (MANE Select); coding-DNA position 8350, C replaced by T.
Protein change: p.Pro2784Ser; replaces proline 2784 with serine.
Molecular consequence: missense variant. On other transcripts: intron variant (2).
Genome position (GRCh38, 1-based): chr3:195,783,230, G>A on the plus strand (C>T on the coding strand, the complement: MUC4 is on the minus strand). VCF-style: chr3-195783230-G-A. GRCh37 (hg19) VCF-style: chr3-195510101-G-A.
Other names: c.83-8925C>T (NM_138297.5); c.83-4775C>T (NM_004532.6); short protein forms P2784S.
Identifiers: ClinVar variation 3387918 (VCV003387918.14).
Genomic context (GRCh38, chr3:195,783,230, plus strand): 5'-TGACAGGAAGAGGGGTGGTGTGACCTGTGGATGCTGAGGAAGGGCTGGTGACATGAAGAG[G>A]GGTGGCGTGACCTGTGGATACTGAGGAAGTGTTGGTGACAGGAAGAGGGGTGGCGTGACC-3'
Protein context (NP_060876.5, residues 2774-2794): TSSVSTGHAT[Pro2784Ser]LHVTSPSSAS

ClinVar aggregate classification (germline): Likely benign (1 of 4 stars; one submission).

Submission:

CeGaT Center for Human Genetics Tuebingen
Classification: Likely benign. Last evaluated: 2024-10-01. Review status: criteria provided, single submitter. Criteria: CeGaT Center For Human Genetics Tuebingen Variant Classification Criteria Version 2. Collection method: clinical testing. Allele origin: germline. Affected: yes. Observed: 1 variant allele.
Comment: MUC4: BP4, BS2